The following is an entry in ClinVar:

NM_001113491.2(SEPTIN9):c.1454G>A (p.Arg485Gln)

Gene: SEPTIN9 (septin 9; plus strand). Cytogenetic location: 17q25.3.
Variant type: single nucleotide variant.
Coding change: c.1454G>A on transcript NM_001113491.2 (MANE Select); coding-DNA position 1454, G replaced by A.
Protein change: p.Arg485Gln; replaces arginine 485 with glutamine.
Molecular consequence: missense variant.
Genome position (GRCh38, 1-based): chr17:77,492,694, G>A. VCF-style: chr17-77492694-G-A. GRCh37 (hg19) VCF-style: chr17-75488776-G-A.
Other names: c.701G>A, p.Arg234Gln (NM_001293698.2, NM_001113495.2, NM_001113496.2 and 1 more transcripts); c.1400G>A, p.Arg467Gln (NM_006640.5); c.962G>A, p.Arg321Gln (NM_001113492.2, NM_001113494.1); c.1433G>A, p.Arg478Gln (NM_001113493.2); c.1397G>A, p.Arg466Gln (NM_001293695.2); c.782G>A, p.Arg261Gln (NM_001293696.2); short protein forms R261Q, R466Q, R467Q, R321Q, R234Q, R478Q, R485Q.
Identifiers: ClinVar variation 3671742 (VCV003671742.2).

ClinVar aggregate classification (germline): Uncertain significance (1 of 4 stars; one submission).

gnomAD v4.1: 12 of 1,613,964 alleles (0.00074%); highest among the groups gnomAD compares: South Asian, 0.0033%; no homozygotes.

Submission:

Labcorp Genetics (formerly Invitae), Labcorp
Classification: Uncertain significance. Last evaluated: 2024-08-31. Review status: criteria provided, single submitter. Criteria: Invitae Variant Classification Sherloc (09022015). Collection method: clinical testing. Allele origin: germline.
Comment: This sequence change replaces arginine, which is basic and polar, with glutamine, which is neutral and polar, at codon 467 of the SEPT9 protein (p.Arg467Gln). The frequency data for this variant in the population databases is considered unreliable, as metrics indicate poor data quality at this position in the gnomAD database. This variant has not been reported in the literature in individuals affected with SEPT9-related conditions. Invitae Evidence Modeling of protein sequence and biophysical properties (such as structural, functional, and spatial information, amino acid conservation, physicochemical variation, residue mobility, and thermodynamic stability) indicates that this missense variant is not expected to disrupt SEPT9 protein function with a negative predictive value of 80%. In summary, the available evidence is currently insufficient to determine the role of this variant in disease. Therefore, it has been classified as a Variant of Uncertain Significance.